The following is an entry in ClinVar:

NM_031433.4(MFRP):c.617C>G (p.Pro206Arg)

Genes: C1QTNF5 (C1q and TNF related 5; minus strand), MFRP (membrane frizzled-related protein; minus strand). Cytogenetic location: 11q23.3.
Variant type: single nucleotide variant.
Coding change: c.617C>G on transcript NM_031433.4 (MANE Select); coding-DNA position 617, C replaced by G.
Protein change: p.Pro206Arg; replaces proline 206 with arginine.
Molecular consequence: missense variant. On other transcripts: 5 prime UTR variant (1).
Genome position (GRCh38, 1-based): chr11:119,345,444, G>C on the plus strand (C>G on the coding strand, the complement: MFRP is on the minus strand). VCF-style: chr11-119345444-G-C. GRCh37 (hg19) VCF-style: chr11-119216154-G-C.
Other names: c.-2020C>G (NM_015645.5); short protein forms P206R.
Identifiers: ClinVar variation 1008010 (VCV001008010.8), dbSNP rs1950553083, ClinGen allele CA382977936.

ClinVar aggregate classification (germline): Uncertain significance (1 of 4 stars; one submission).

Conditions:
Isolated microphthalmia 5. Also called: Posterior Microphthalmia with Retinitis Pigmentosa, Foveoschisis, and Optic Disc Drusen. Identifiers: Orphanet 251279, MedGen C1970236, MONDO:0012605, OMIM 611040.

Allele frequency attached by ClinVar (database versions not stated): TOPMed 0.00001; gnomAD exomes below 0.00001; gnomAD 0.00001.
gnomAD v4.1: 5 of 1,613,872 alleles (0.00031%); highest among the groups gnomAD compares: Non-Finnish European, 0.00034%; no homozygotes.

Submission:

Labcorp Genetics (formerly Invitae), Labcorp
Classification: Uncertain significance for Isolated microphthalmia 5. Last evaluated: 2024-02-17. Review status: criteria provided, single submitter. Criteria: Invitae Variant Classification Sherloc (09022015). Collection method: clinical testing. Allele origin: germline.
Comment: This sequence change replaces proline, which is neutral and non-polar, with arginine, which is basic and polar, at codon 206 of the MFRP protein (p.Pro206Arg). This variant is not present in population databases (gnomAD no frequency). This variant has not been reported in the literature in individuals affected with MFRP-related conditions. ClinVar contains an entry for this variant (Variation ID: 1008010). Advanced modeling of protein sequence and biophysical properties (such as structural, functional, and spatial information, amino acid conservation, physicochemical variation, residue mobility, and thermodynamic stability) performed at Invitae indicates that this missense variant is not expected to disrupt MFRP protein function with a negative predictive value of 80%. In summary, the available evidence is currently insufficient to determine the role of this variant in disease. Therefore, it has been classified as a Variant of Uncertain Significance.